The following is an entry in ClinVar:

ClinVar aggregate classification (germline): Uncertain significance (1 of 4 stars; one submission).

gnomAD v4.1: 1 of 1,614,234 alleles (0.000062%); highest among the groups gnomAD compares: Non-Finnish European, 0.000085%; no homozygotes.

Submission:

Labcorp Genetics (formerly Invitae), Labcorp
Classification: Uncertain significance. Last evaluated: 2021-06-19. Review status: criteria provided, single submitter. Criteria: Invitae Variant Classification Sherloc (09022015). Collection method: clinical testing. Allele origin: germline.
Comment: This variant has not been reported in the literature in individuals affected with FERMT1-related conditions. Algorithms developed to predict the effect of missense changes on protein structure and function are either unavailable or do not agree on the potential impact of this missense change (SIFT: "Tolerated"; PolyPhen-2: "Possibly Damaging"; Align-GVGD: "Class C0"). In summary, the available evidence is currently insufficient to determine the role of this variant in disease. Therefore, it has been classified as a Variant of Uncertain Significance. This variant is not present in population databases (ExAC no frequency). This sequence change replaces leucine with proline at codon 636 of the FERMT1 protein (p.Leu636Pro). The leucine residue is highly conserved and there is a moderate physicochemical difference between leucine and proline.

NM_017671.5(FERMT1):c.1907T>C (p.Leu636Pro)

Gene: FERMT1 (FERM domain containing kindlin 1; minus strand). Cytogenetic location: 20p12.3.
Variant type: single nucleotide variant.
Coding change: c.1907T>C on transcript NM_017671.5 (MANE Select); coding-DNA position 1907, T replaced by C.
Protein change: p.Leu636Pro; replaces leucine 636 with proline.
Molecular consequence: missense variant.
Genome position (GRCh38, 1-based): chr20:6,077,300, A>G on the plus strand (T>C on the coding strand, the complement: FERMT1 is on the minus strand). VCF-style: chr20-6077300-A-G. GRCh37 (hg19) VCF-style: chr20-6057947-A-G.
Other names: short protein forms L636P.
Identifiers: ClinVar variation 1500214 (VCV001500214.8), dbSNP rs1981855850, ClinGen allele CA408175744.